The following is an entry in ClinVar:

NM_203447.4(DOCK8):c.3169T>C (p.Tyr1057His)

Gene: DOCK8 (dedicator of cytokinesis 8; plus strand). Cytogenetic location: 9p24.3.
Variant type: single nucleotide variant.
Coding change: c.3169T>C on transcript NM_203447.4 (MANE Select); coding-DNA position 3169, T replaced by C.
Protein change: p.Tyr1057His; replaces tyrosine 1057 with histidine.
Molecular consequence: missense variant.
Genome position (GRCh38, 1-based): chr9:399,194, T>C. VCF-style: chr9-399194-T-C. GRCh37 (hg19) VCF-style: chr9-399194-T-C.
Other names: c.3169T>C (NM_203447.3); c.2869T>C, p.Tyr957His (NM_001190458.2); c.2965T>C, p.Tyr989His (NM_001193536.2); short protein forms Y1057H, Y989H, Y957H.
Identifiers: ClinVar variation 1416403 (VCV001416403.8), dbSNP rs557751601, ClinGen allele CA4958540.

ClinVar aggregate classification (germline): Uncertain significance. Review status: criteria provided, multiple submitters, no conflicts (2 of 4 stars). 2 submissions from 2 submitters: Uncertain significance (2). Last evaluated 2025-12-01.

Conditions:
Combined immunodeficiency due to DOCK8 deficiency (HIES2). Also called: HIES autosomal recessive; Hyper-IgE recurrent infection syndrome, autosomal recessive; HYPER-IgE RECURRENT INFECTION SYNDROME 2, AUTOSOMAL RECESSIVE; HYPER-IgE SYNDROME 2, AUTOSOMAL RECESSIVE, WITH RECURRENT INFECTIONS; DOCK8 Deficiency. Identifiers: Orphanet 217390, MedGen C4722305, MONDO:0009478, OMIM 243700.
Inborn genetic diseases. Identifiers: MedGen C0950123, MeSH D030342.

Allele frequency attached by ClinVar (database versions not stated): TOPMed below 0.00001; gnomAD 0.00002; gnomAD exomes 0.00004; ExAC 0.00006.
gnomAD v4.1: 34 of 1,613,982 alleles (0.0021%); highest among the groups gnomAD compares: South Asian, 0.035%; 1 homozygote.

Submissions (2):

Labcorp Genetics (formerly Invitae), Labcorp
Classification: Uncertain significance for Combined immunodeficiency due to DOCK8 deficiency. Last evaluated: 2025-12-01. Review status: criteria provided, single submitter. Criteria: Invitae Variant Classification Sherloc (09022015). Collection method: clinical testing. Allele origin: germline.
Comment: This sequence change replaces tyrosine, which is neutral and polar, with histidine, which is basic and polar, at codon 1057 of the DOCK8 protein (p.Tyr1057His). This variant is present in population databases (rs557751601, gnomAD 0.03%). This variant has not been reported in the literature in individuals affected with DOCK8-related conditions. ClinVar contains an entry for this variant (Variation ID: 1416403). Invitae Evidence Modeling of protein sequence and biophysical properties (such as structural, functional, and spatial information, amino acid conservation, physicochemical variation, residue mobility, and thermodynamic stability) indicates that this missense variant is not expected to disrupt DOCK8 protein function with a negative predictive value of 80%. In summary, the available evidence is currently insufficient to determine the role of this variant in disease. Therefore, it has been classified as a Variant of Uncertain Significance.

Ambry Genetics
Classification: Uncertain significance for Inborn genetic diseases. Last evaluated: 2025-09-24. Review status: criteria provided, single submitter. Criteria: Ambry Variant Classification Scheme 2023. Collection method: clinical testing. Allele origin: germline.